The following is an entry in ClinVar:

NM_015080.4(NRXN2):c.3403+1G>A

Gene: NRXN2 (neurexin 2; minus strand). Cytogenetic location: 11q13.1.
Variant type: single nucleotide variant.
Coding change: c.3403+1G>A on transcript NM_015080.4 (MANE Select); the canonical splice donor site of the intron after coding-DNA position 3403, G replaced by A.
Molecular consequence: splice donor variant.
Genome position (GRCh38, 1-based): chr11:64,648,218, C>T on the plus strand (G>A on the coding strand, the complement: NRXN2 is on the minus strand). VCF-style: chr11-64648218-C-T. GRCh37 (hg19) VCF-style: chr11-64415690-C-T.
Other names: c.3283+1G>A (NM_138732.3); c.3379+1G>A (NM_001376266.1); c.3358+1G>A (NM_001376265.1); c.3382+1G>A (NM_001376267.1, NM_001376263.1); c.3403+1G>A (NM_001376262.1).
Identifiers: ClinVar variation 2631543 (VCV002631543.1), dbSNP rs371554113, ClinGen allele CA223877392.
Genomic context (GRCh38, chr11:64,648,218, plus strand): 5'-CCTATGGCTGGGAATGGACCCTGGTCTCCCCAAACTGCCCCCAGCCCTCCCAGGCACTCA[C>T]GATCATTGCAGACAGGGCCTCCATAGGAAGTCATGGTGCAGTCGCAGGTGAAGCCATCCC-3'

ClinVar aggregate classification (germline): Uncertain significance (1 of 4 stars; one submission).

Conditions:
NRXN2-related disorder. Also called: NRXN2-related condition.

Allele frequency attached by ClinVar (database versions not stated): gnomAD exomes below 0.00001; TOPMed below 0.00001; gnomAD 0.00001; ESP Exome Variant Server 0.00008.
gnomAD v4.1: 5 of 1,614,048 alleles (0.00031%); highest among the groups gnomAD compares: Non-Finnish European, 0.00042%; no homozygotes.

Submission:

PreventionGenetics, part of Exact Sciences
Classification: Uncertain significance for NRXN2-related condition. Last evaluated: 2023-08-16. Review status: criteria provided, single submitter. Criteria: ACMG Guidelines, 2015. Collection method: clinical testing. Allele origin: germline.
Comment: The NRXN2 c.3403+1G>A variant is predicted to disrupt the GT donor site and interfere with normal splicing. To our knowledge, this variant has not been reported in the literature. Although this variant's impact on splicing cannot be predicted, exon skipping would lead to an inframe deletion of the exon. Splicing variants or other loss-of-function variants in NRXN2 have not been conclusively established as a mechanism of disease. This variant is reported in 0.00088% of alleles in individuals of European (Non-Finnish) descent in gnomAD. Although we suspect this variant may be pathogenic, at this time, the clinical significance of this variant is uncertain due to the absence of conclusive functional and genetic evidence.